The following is an entry in ClinVar:

ClinVar aggregate classification (germline): Pathogenic/Likely pathogenic. Review status: criteria provided, multiple submitters, no conflicts (2 of 4 stars). 3 submissions from 3 submitters: Pathogenic (2); Likely pathogenic (1). Last evaluated 2025-09-10.

Conditions:
Ataxia-telangiectasia syndrome (AT). Also called: LOUIS-BAR SYNDROME; Cerebello-oculocutaneous telangiectasia; Immunodeficiency with ataxia telangiectasia; Ataxia-telangiectasia, complementation group E; Ataxia-telangiectasia, complementation group D; AT, COMPLEMENTATION GROUP C. Identifiers: Orphanet 100, MedGen C0004135, MONDO:0008840, OMIM 208900.
Familial cancer of breast. Also called: BREAST CANCER, FAMILIAL; Hereditary breast cancer; hereditary breast carcinoma. Identifiers: Orphanet 227535, MedGen C0346153, MONDO:0016419, OMIM 114480. Disease mechanism: loss of function.

Submissions (3):

Labcorp Genetics (formerly Invitae), Labcorp
Classification: Pathogenic for Ataxia-telangiectasia syndrome. Last evaluated: 2025-09-10. Review status: criteria provided, single submitter. Criteria: Invitae Variant Classification Sherloc (09022015). Collection method: clinical testing. Allele origin: germline.
Comment: This sequence change creates a premature translational stop signal (p.Lys2044*) in the ATM gene. It is expected to result in an absent or disrupted protein product. Loss-of-function variants in ATM are known to be pathogenic (PMID: 23807571, 25614872). This variant is not present in population databases (gnomAD no frequency). This variant has not been reported in the literature in individuals affected with ATM-related conditions. ClinVar contains an entry for this variant (Variation ID: 2679678). For these reasons, this variant has been classified as Pathogenic.

Myriad Genetics, Inc.
Classification: Pathogenic for Familial cancer of breast. Last evaluated: 2024-01-29. Review status: criteria provided, single submitter. Criteria: Myriad Autosomal Dominant, Autosomal Recessive and X-Linked Classification Criteria (2023). Collection method: clinical testing. Allele origin: unknown.
Comment: This variant is considered pathogenic. This variant creates a termination codon and is predicted to result in premature protein truncation.

Baylor Genetics
Classification: Likely pathogenic for Familial cancer of breast. Last evaluated: 2023-09-01. Review status: criteria provided, single submitter. Criteria: ACMG Guidelines, 2015. Collection method: clinical testing. Allele origin: unknown.

Literature cited by the submitters: PubMed 23807571 (cited by Labcorp Genetics (formerly Invitae), Labcorp); PubMed 25614872 (cited by Labcorp Genetics (formerly Invitae), Labcorp).

NM_000051.4(ATM):c.6130A>T (p.Lys2044Ter)

Genes: ATM (ATM serine/threonine kinase; plus strand), C11orf65 (chromosome 11 open reading frame 65; minus strand). Cytogenetic location: 11q22.3.
Variant type: single nucleotide variant.
Coding change: c.6130A>T on transcript NM_000051.4 (MANE Select); coding-DNA position 6130, A replaced by T.
Protein change: p.Lys2044Ter; replaces lysine 2044 with a stop codon.
Molecular consequence: nonsense. On other transcripts: intron variant (2).
Genome position (GRCh38, 1-based): chr11:108,316,045, A>T. VCF-style: chr11-108316045-A-T. GRCh37 (hg19) VCF-style: chr11-108186772-A-T.
Other names: c.6130A>T, p.Lys2044Ter (NM_001351834.2); c.641-6974T>A (NM_001330368.2); c.*39-6974T>A (NM_001351110.2); short protein forms K2044*.
Identifiers: ClinVar variation 2679678 (VCV002679678.2), dbSNP rs2136128705, ClinGen allele CA382550476.